The following is an entry in ClinVar:

ClinVar aggregate classification (germline): Likely benign. Review status: criteria provided, multiple submitters, no conflicts (2 of 4 stars). 3 submissions from 3 submitters: Likely benign (2). 1 of the submissions does not count toward it. Last evaluated 2026-02-02.

Conditions:
INPP5E-related disorder. Also called: INPP5E-related condition.
Inborn genetic diseases. Identifiers: MedGen C0950123, MeSH D030342.
Joubert syndrome. Also called: Familial aplasia of the vermis; CEREBELLOPARENCHYMAL DISORDER IV; JOUBERT-BOLTSHAUSER SYNDROME. Identifiers: Orphanet 475, MedGen C5979921, MONDO:0018772.

Allele frequency attached by ClinVar (database versions not stated): gnomAD 0.00029 and 0.00031; gnomAD exomes 0.00029 and 0.00004; ExAC below 0.00001; TOPMed 0.00026.
gnomAD v4.1: 105 of 1,540,576 alleles (0.0068%); highest among the groups gnomAD compares: Admixed American, 0.18%; no homozygotes.

Submissions (3):

Labcorp Genetics (formerly Invitae), Labcorp
Classification: Likely benign for Joubert syndrome. Last evaluated: 2026-02-02. Review status: criteria provided, single submitter. Criteria: Invitae Variant Classification Sherloc (09022015). Collection method: clinical testing. Allele origin: germline.

Ambry Genetics
Classification: Likely benign for Inborn genetic diseases. Last evaluated: 2022-05-18. Review status: criteria provided, single submitter. Criteria: Ambry Variant Classification Scheme 2023. Collection method: clinical testing. Allele origin: germline.

PreventionGenetics, part of Exact Sciences
Classification: Likely benign for INPP5E-related condition. Last evaluated: 2024-09-02. Review status: no assertion criteria provided. Collection method: clinical testing. Allele origin: germline. Not counted in ClinVar's aggregate classification.
Comment: This variant is classified as likely benign based on ACMG/AMP sequence variant interpretation guidelines (Richards et al. 2015 PMID: 25741868, with internal and published modifications).

NM_019892.6(INPP5E):c.217C>T (p.Arg73Trp)

Gene: INPP5E (inositol polyphosphate-5-phosphatase E; minus strand). Cytogenetic location: 9q34.3.
Variant type: single nucleotide variant.
Coding change: c.217C>T on transcript NM_019892.6 (MANE Select); coding-DNA position 217, C replaced by T.
Protein change: p.Arg73Trp; replaces arginine 73 with tryptophan.
Molecular consequence: missense variant.
Genome position (GRCh38, 1-based): chr9:136,439,203, G>A on the plus strand (C>T on the coding strand, the complement: INPP5E is on the minus strand). VCF-style: chr9-136439203-G-A. GRCh37 (hg19) VCF-style: chr9-139333655-G-A.
Other names: c.217C>T (NM_019892.5, NM_019892.4); c.217C>T, p.Arg73Trp (NM_001318502.2); short protein forms R73W.
Identifiers: ClinVar variation 1038719 (VCV001038719.11), dbSNP rs779841260, ClinGen allele CA5337202.